The following is an entry in ClinVar:

ClinVar aggregate classification (germline): Likely benign (1 of 4 stars; one submission).

Submission:

CeGaT Center for Human Genetics Tuebingen
Classification: Likely benign. Last evaluated: 2025-12-01. Review status: criteria provided, single submitter. Criteria: CeGaT Center For Human Genetics Tuebingen Variant Classification Criteria Version 2. Collection method: clinical testing. Allele origin: germline. Affected: yes. Observed: 1 variant allele.
Comment: TIMM8A: BP4, BP7

NM_004085.4(TIMM8A):c.132+137T>C

Gene: TIMM8A (translocase of inner mitochondrial membrane 8A; minus strand). Cytogenetic location: Xq22.1.
Variant type: single nucleotide variant.
Coding change: c.132+137T>C on transcript NM_004085.4 (MANE Select); 137 bases into the intron after coding-DNA position 132, T replaced by C.
Molecular consequence: intron variant. On other transcripts: synonymous variant (1).
Genome position (GRCh38, 1-based): chrX:101,348,396, A>G on the plus strand (T>C on the coding strand, the complement: TIMM8A is on the minus strand). VCF-style: chrX-101348396-A-G. GRCh37 (hg19) VCF-style: chrX-100603384-A-G.
Other names: c.138T>C, p.Pro46= (NM_001145951.2).
Identifiers: ClinVar variation 4681831 (VCV004681831.5).